The following is an entry in ClinVar:

ClinVar aggregate classification (germline): Conflicting classifications of pathogenicity. Review status: criteria provided, conflicting classifications (1 of 4 stars). 5 submissions from 5 submitters: Uncertain significance (4); Likely benign (1). Last evaluated 2026-01-12.

Conditions:
DSP-related disorder. Also called: DSP-related disorders; DSP-related condition.
Cardiovascular phenotype. Identifiers: MedGen CN230736.
Arrhythmogenic right ventricular dysplasia 8 (ARVD8). Also called: Arrhythmogenic Right Ventricular Dysplasia/Cardiomyopathy 8; ARRHYTHMOGENIC RIGHT VENTRICULAR DYSPLASIA, FAMILIAL, 8; ARRHYTHMOGENIC RIGHT VENTRICULAR CARDIOMYOPATHY 8. Identifiers: MedGen C1843896, MONDO:0011831, OMIM 607450.
Arrhythmogenic cardiomyopathy with wooly hair and keratoderma. Also called: Arrhythmogenic cardiomyopathy with woolly hair and keratoderma; PALMOPLANTAR KERATODERMA WITH LEFT VENTRICULAR CARDIOMYOPATHY AND WOOLLY HAIR; Carvajal syndrome; Dilated cardiomyopathy with woolly hair and keratoderma. Identifiers: Orphanet 65282, MedGen C1854063, MONDO:0011581, OMIM 605676.
Cardiomyopathy (CMYO). Also called: Cardiomyopathies. Identifiers: Orphanet 167848, MedGen C0878544, MONDO:0004994, HP:0001638. Inheritance: Various modes of inheritance.

Allele frequency attached by ClinVar (database versions not stated): ExAC 0.00001; gnomAD exomes 0.00001; gnomAD 0.00002; TOPMed 0.00002.
gnomAD v4.1: 23 of 1,613,962 alleles (0.0014%); highest among the groups gnomAD compares: Non-Finnish European, 0.0019%; no homozygotes.

Submissions (5):

PreventionGenetics, part of Exact Sciences
Classification: Uncertain significance for DSP-related condition. Last evaluated: 2026-01-12. Review status: criteria provided, single submitter. Criteria: ACMG Guidelines, 2015. Collection method: clinical testing. Allele origin: germline.
Comment: The DSP c.3912G>C variant is predicted to result in the amino acid substitution p.Glu1304Asp. This variant has been reported in an individual with sudden cardiac arrest (Giudicessi and Ackerman. 2018. PubMed ID: 29884292). This variant is reported in 0.0031% of alleles in individuals of European (Non-Finnish) descent in gnomAD. At this time, the clinical significance of this variant is uncertain due to the absence of conclusive functional and genetic evidence.

Labcorp Genetics (formerly Invitae), Labcorp
Classification: Likely benign for Arrhythmogenic cardiomyopathy with wooly hair and keratoderma; Arrhythmogenic right ventricular dysplasia 8. Last evaluated: 2025-06-24. Review status: criteria provided, single submitter. Criteria: Invitae Variant Classification Sherloc (09022015). Collection method: clinical testing. Allele origin: germline.

All of Us Research Program, National Institutes of Health
Classification: Uncertain significance for Arrhythmogenic cardiomyopathy with wooly hair and keratoderma. Last evaluated: 2024-08-06. Review status: criteria provided, single submitter. Criteria: ACMG Guidelines, 2015. Collection method: clinical testing. Allele origin: germline. Inheritance: Autosomal dominant inheritance. Observed: 6 variant alleles, 6 heterozygotes.
Comment: This missense variant replaces glutamic acid with aspartic acid at codon 1304 of the DSP protein. Computational prediction suggests that this variant may not impact protein structure and function (internally defined REVEL score threshold <= 0.5, PMID: 27666373). To our knowledge, functional studies have not been reported for this variant. This variant has been reported in an individual affected with unexplained sudden cardiac arrest (PMID: 29884292). This variant has been identified in 4/282178 chromosomes in the general population by the Genome Aggregation Database (gnomAD). The available evidence is insufficient to determine the role of this variant in disease conclusively. Therefore, this variant is classified as a Variant of Uncertain Significance.

This study involves interpretation of variants in research participants for the purpose of population health screening. Participant phenotype was not available at the time of variant classification. Additional details can be found in publication PMID: 35346344, PMCID: PMC8962531

Ambry Genetics
Classification: Uncertain significance for Cardiovascular phenotype. Last evaluated: 2023-09-14. Review status: criteria provided, single submitter. Criteria: Ambry Variant Classification Scheme 2023. Collection method: clinical testing. Allele origin: germline.
Comment: The p.E1304D variant (also known as c.3912G>C), located in coding exon 23 of the DSP gene, results from a G to C substitution at nucleotide position 3912. The glutamic acid at codon 1304 is replaced by aspartic acid, an amino acid with highly similar properties. This variant has been detected in an individual with sudden cardiac arrest; however, additional details were limited (Giudicessi JR et al. Int J Cardiol, 2018 Nov;270:214-220). This amino acid position is well conserved in available vertebrate species. In addition, this alteration is predicted to be tolerated by in silico analysis. Since supporting evidence is limited at this time, the clinical significance of this alteration remains unclear.

Color Diagnostics, LLC DBA Color Health
Classification: Uncertain significance for Cardiomyopathy. Last evaluated: 2023-04-11. Review status: criteria provided, single submitter. Criteria: ACMG Guidelines, 2015. Collection method: clinical testing. Allele origin: germline.
Comment: This missense variant replaces glutamic acid with aspartic acid at codon 1304 of the DSP protein. Computational prediction suggests that this variant may not impact protein structure and function (internally defined REVEL score threshold <= 0.5, PMID: 27666373). To our knowledge, functional studies have not been reported for this variant. This variant has been reported in an individual affected with unexplained sudden cardiac arrest (PMID: 29884292). This variant has been identified in 4/282178 chromosomes in the general population by the Genome Aggregation Database (gnomAD). The available evidence is insufficient to determine the role of this variant in disease conclusively. Therefore, this variant is classified as a Variant of Uncertain Significance.

Literature cited by the submitters: PubMed 29884292 (cited by 3 submitters).

NM_004415.4(DSP):c.3912G>C (p.Glu1304Asp)

Gene: DSP (desmoplakin; plus strand). Cytogenetic location: 6p24.3.
Variant type: single nucleotide variant.
Coding change: c.3912G>C on transcript NM_004415.4 (MANE Select); coding-DNA position 3912, G replaced by C.
Protein change: p.Glu1304Asp; replaces glutamic acid 1304 with aspartic acid.
Molecular consequence: missense variant. On other transcripts: intron variant (1).
Genome position (GRCh38, 1-based): chr6:7,580,102, G>C. VCF-style: chr6-7580102-G-C. GRCh37 (hg19) VCF-style: chr6-7580335-G-C.
Other names: c.3912G>C (LRG_423t1, NM_004415.3); c.3912G>C, p.Glu1304Asp (NM_001319034.2); c.3582+330G>C (NM_001008844.3); short protein forms E1304D.
Identifiers: ClinVar variation 465895 (VCV000465895.17), dbSNP rs764189408, ClinGen allele CA039532.